The following is an entry in ClinVar:

NM_000041.4(APOE):c.178A>G (p.Thr60Ala)

Gene: APOE (apolipoprotein E; plus strand). Cytogenetic location: 19q13.32.
Variant type: single nucleotide variant.
Coding change: c.178A>G on transcript NM_000041.4 (MANE Select); coding-DNA position 178, A replaced by G.
Protein change: p.Thr60Ala; replaces threonine 60 with alanine.
Molecular consequence: missense variant.
Genome position (GRCh38, 1-based): chr19:44,907,894, A>G. VCF-style: chr19-44907894-A-G. GRCh37 (hg19) VCF-style: chr19-45411151-A-G.
Other names: T42A; c.256A>G, p.Thr86Ala (NM_001302688.2); c.178A>G, p.Thr60Ala (NM_001302689.2, NM_001302690.2, NM_001302691.2); c.178A>G (NM_000041.2); short protein forms T60A, T86A.
Identifiers: ClinVar variation 17871 (VCV000017871.4), dbSNP rs28931576, ClinGen allele CA127515.

ClinVar aggregate classification (germline): Conflicting classifications of pathogenicity. Review status: criteria provided, conflicting classifications (1 of 4 stars). 3 submissions from 3 submitters: Uncertain significance (1); Likely benign (1). 1 of the submissions does not count toward it. Last evaluated 2026-04-16.

Conditions:
Cardiovascular phenotype. Identifiers: MedGen CN230736.
Familial hypercholesterolemia. Also called: Familial hypercholesterolaemia; Familial hypercholesterolemias. Identifiers: MedGen C0020445, MONDO:0005439.
APOE3(-)-FREIBURG.

Allele frequency attached by ClinVar (database versions not stated): gnomAD exomes 0.00001 and 0.00002; gnomAD 0.00001 and 0.00002; TOPMed 0.00002; ExAC 0.00002.

Submissions (3):

Cambridge Genomics Laboratory, East Genomic Laboratory Hub, NHS Genomic Medicine Service
Classification: Uncertain significance for Familial hypercholesterolaemia. Last evaluated: 2026-04-16. Review status: criteria provided, single submitter. Criteria: ACGS Best Practice Guidelines for Variant Classification in Rare Disease 2020. Collection method: clinical testing. Allele origin: germline. Affected: yes.
Comment: PM2_Supporting,PP4,BP4

Ambry Genetics
Classification: Likely benign for Cardiovascular phenotype. Last evaluated: 2025-03-06. Review status: criteria provided, single submitter. Criteria: Ambry Variant Classification Scheme 2023. Collection method: clinical testing. Allele origin: germline.

OMIM
Classification: Pathogenic for APOE3(-)-FREIBURG. Last evaluated: 2016-08-05. Review status: no assertion criteria provided. Collection method: literature only. Allele origin: germline. Not counted in ClinVar's aggregate classification.

Literature cited by the submitters: Wieland, H., Funke, H., Krieg, J., Luley, C. ApoE3-Freiburg and apoE4-Freiburg are two genetic apoE variants which are caused by exchanges of uncharged amino acids and do not appear to be associated with lipid disorders or heart disease. Abstract Book of the Ninth International Symposium on Atherosclerosis. Rosemont, Illinois 1991. P. 164. (cited by OMIM).